The following is an entry in ClinVar:

NM_007078.3(LDB3):c.55G>T (p.Gly19Trp)

Gene: LDB3 (LIM domain binding 3; plus strand). Cytogenetic location: 10q23.2.
Variant type: single nucleotide variant.
Coding change: c.55G>T on transcript NM_007078.3 (MANE Select); coding-DNA position 55, G replaced by T.
Protein change: p.Gly19Trp; replaces glycine 19 with tryptophan.
Molecular consequence: missense variant.
Genome position (GRCh38, 1-based): chr10:86,668,746, G>T. VCF-style: chr10-86668746-G-T. GRCh37 (hg19) VCF-style: chr10-88428503-G-T.
Other names: c.55G>T (NM_007078.2); c.55G>T, p.Gly19Trp (NM_001080116.1, NM_001080114.2, NM_001080115.2 and 8 more transcripts); short protein forms G19W.
Identifiers: ClinVar variation 642479 (VCV000642479.10), dbSNP rs777413488, ClinGen allele CA377448765.

ClinVar aggregate classification (germline): Uncertain significance. Review status: criteria provided, multiple submitters, no conflicts (2 of 4 stars). 2 submissions from 2 submitters: Uncertain significance (2). Last evaluated 2024-06-09.

Conditions:
Cardiovascular phenotype. Identifiers: MedGen CN230736.
Myofibrillar myopathy 4. Also called: Zaspopathy (type). Identifiers: Orphanet 98912, MedGen C4721886, MONDO:0012277, OMIM 609452.

gnomAD v4.1: 1 of 1,613,288 alleles (0.000062%); highest among the groups gnomAD compares: South Asian, 0.0011%; no homozygotes.

Submissions (2):

Ambry Genetics
Classification: Uncertain significance for Cardiovascular phenotype. Last evaluated: 2024-06-09. Review status: criteria provided, single submitter. Criteria: Ambry Variant Classification Scheme 2023. Collection method: clinical testing. Allele origin: germline.
Comment: The p.G19W variant (also known as c.55G>T), located in coding exon 1 of the LDB3 gene, results from a G to T substitution at nucleotide position 55. The glycine at codon 19 is replaced by tryptophan, an amino acid with highly dissimilar properties. This amino acid position is conserved. In addition, this alteration is predicted to be deleterious by in silico analysis. Based on the available evidence, the clinical significance of this variant remains unclear.

Labcorp Genetics (formerly Invitae), Labcorp
Classification: Uncertain significance for Myofibrillar myopathy 4. Last evaluated: 2018-09-10. Review status: criteria provided, single submitter. Criteria: Invitae Variant Classification Sherloc (09022015). Collection method: clinical testing. Allele origin: germline.
Comment: This sequence change replaces glycine with tryptophan at codon 19 of the LDB3 protein (p.Gly19Trp). The glycine residue is moderately conserved and there is a large physicochemical difference between glycine and tryptophan. This variant is not present in population databases (ExAC no frequency). This variant has not been reported in the literature in individuals with LDB3-related disease. Algorithms developed to predict the effect of missense changes on protein structure and function are either unavailable or do not agree on the potential impact of this missense change (SIFT: "Deleterious"; PolyPhen-2: "Probably Damaging"; Align-GVGD: "Class C0"). In summary, the available evidence is currently insufficient to determine the role of this variant in disease. Therefore, it has been classified as a Variant of Uncertain Significance.